The following is an entry in ClinVar:

NM_002661.5(PLCG2):c.628A>C (p.Met210Leu)

Gene: PLCG2 (phospholipase C gamma 2; plus strand). Cytogenetic location: 16q23.3.
Variant type: single nucleotide variant.
Coding change: c.628A>C on transcript NM_002661.5 (MANE Select); coding-DNA position 628, A replaced by C.
Protein change: p.Met210Leu; replaces methionine 210 with leucine.
Molecular consequence: missense variant.
Genome position (GRCh38, 1-based): chr16:81,870,915, A>C. VCF-style: chr16-81870915-A-C. GRCh37 (hg19) VCF-style: chr16-81904520-A-C.
Other names: short protein forms M210L.
Identifiers: ClinVar variation 1018728 (VCV001018728.11), dbSNP rs1367179036, ClinGen allele CA396903362.

ClinVar aggregate classification (germline): Uncertain significance. Review status: criteria provided, multiple submitters, no conflicts (2 of 4 stars). 3 submissions from 3 submitters: Uncertain significance (3). Last evaluated 2025-03-16.

Conditions:
Autoinflammation-PLCG2-associated antibody deficiency-immune dysregulation. Also called: AUTOINFLAMMATION, ANTIBODY DEFICIENCY, AND IMMUNE DYSREGULATION; Autoinflammation, antibody deficiency, and immune dysregulation syndrome; Autoinflammation, antibody deficiency, and immune dysregulation, plcg2-associated. Identifiers: Orphanet 324530, MedGen C3553961, MONDO:0013944, OMIM 614878.
Familial cold autoinflammatory syndrome 3 (FCAS3). Also called: FAMILIAL ATYPICAL COLD URTICARIA; ANTIBODY DEFICIENCY AND IMMUNE DYSREGULATION, PLCG2-ASSOCIATED. Identifiers: Orphanet 300359, MedGen C3280914, MONDO:0013766, OMIM 614468.

Allele frequency attached by ClinVar (database versions not stated): gnomAD exomes below 0.00001; gnomAD 0.00001; TOPMed 0.00001.
gnomAD v4.1: 5 of 1,590,302 alleles (0.00031%); highest among the groups gnomAD compares: Non-Finnish European, 0.00043%; no homozygotes.

Submissions (3):

Labcorp Genetics (formerly Invitae), Labcorp
Classification: Uncertain significance for Familial cold autoinflammatory syndrome 3. Last evaluated: 2025-03-16. Review status: criteria provided, single submitter. Criteria: Invitae Variant Classification Sherloc (09022015). Collection method: clinical testing. Allele origin: germline.
Comment: This sequence change replaces methionine, which is neutral and non-polar, with leucine, which is neutral and non-polar, at codon 210 of the PLCG2 protein (p.Met210Leu). This variant is present in population databases (no rsID available, gnomAD 0.0009%). This variant has not been reported in the literature in individuals affected with PLCG2-related conditions. ClinVar contains an entry for this variant (Variation ID: 1018728). An algorithm developed to predict the effect of missense changes on protein structure and function (PolyPhen-2) suggests that this variant is likely to be tolerated. In summary, the available evidence is currently insufficient to determine the role of this variant in disease. Therefore, it has been classified as a Variant of Uncertain Significance.

Fulgent Genetics
Classification: Uncertain significance for Familial cold autoinflammatory syndrome 3; Autoinflammation-PLCG2-associated antibody deficiency-immune dysregulation. Last evaluated: 2021-08-09. Review status: criteria provided, single submitter. Criteria: ACMG Guidelines, 2015. Collection method: clinical testing. Allele origin: unknown.

GeneDx
Classification: Uncertain significance. Last evaluated: 2020-06-15. Review status: criteria provided, single submitter. Criteria: GeneDx Variant Classification Process June 2021. Collection method: clinical testing. Allele origin: germline. Affected: yes.
Comment: In silico analysis supports that this missense variant does not alter protein structure/function; Has not been previously published as pathogenic or benign to our knowledge